The following is an entry in ClinVar:

NM_004456.5(EZH2):c.1549G>A (p.Gly517Ser)

Gene: EZH2 (enhancer of zeste 2 polycomb repressive complex 2 subunit; minus strand). Cytogenetic location: 7q36.1.
Variant type: single nucleotide variant.
Coding change: c.1549G>A on transcript NM_004456.5 (MANE Select); coding-DNA position 1549, G replaced by A.
Protein change: p.Gly517Ser; replaces glycine 517 with serine.
Molecular consequence: missense variant. On other transcripts: intron variant (1).
Genome position (GRCh38, 1-based): chr7:148,815,037, C>T on the plus strand (G>A on the coding strand, the complement: EZH2 is on the minus strand). VCF-style: chr7-148815037-C-T. GRCh37 (hg19) VCF-style: chr7-148512129-C-T.
Other names: c.1534G>A, p.Gly512Ser (NM_001203247.2); c.1507G>A, p.Gly503Ser (NM_001203248.2); c.1417G>A, p.Gly473Ser (NM_152998.3); c.1504+469G>A (NM_001203249.2); short protein forms G473S, G503S, G512S, G517S.
Identifiers: ClinVar variation 1806629 (VCV001806629.3), dbSNP rs776925814, ClinGen allele CA4547836.

ClinVar aggregate classification (germline): Uncertain significance. Review status: criteria provided, multiple submitters, no conflicts (2 of 4 stars). 2 submissions from 2 submitters: Uncertain significance (2). Last evaluated 2024-10-27.

Conditions:
Weaver syndrome (WVS). Also called: Weaver Smith syndrome; Overgrowth syndrome with accelerated skeletal maturation, unusual facies, and camptodactyly. Identifiers: Orphanet 3447, MedGen C0265210, MONDO:0010193, OMIM 277590.

Allele frequency attached by ClinVar (database versions not stated): ExAC 0.00001; gnomAD 0.00001; TOPMed 0.00002.
gnomAD v4.1: 8 of 1,613,234 alleles (0.0005%); highest among the groups gnomAD compares: African/African-American, 0.0067%; no homozygotes.

Submissions (2):

Labcorp Genetics (formerly Invitae), Labcorp
Classification: Uncertain significance for Weaver syndrome. Last evaluated: 2024-10-27. Review status: criteria provided, single submitter. Criteria: Invitae Variant Classification Sherloc (09022015). Collection method: clinical testing. Allele origin: germline.
Comment: This sequence change replaces glycine, which is neutral and non-polar, with serine, which is neutral and polar, at codon 517 of the EZH2 protein (p.Gly517Ser). This variant is present in population databases (rs776925814, gnomAD 0.01%). This variant has not been reported in the literature in individuals affected with EZH2-related conditions. ClinVar contains an entry for this variant (Variation ID: 1806629). An algorithm developed to predict the effect of missense changes on protein structure and function (PolyPhen-2) suggests that this variant is likely to be tolerated. In summary, the available evidence is currently insufficient to determine the role of this variant in disease. Therefore, it has been classified as a Variant of Uncertain Significance.

GeneDx
Classification: Uncertain significance. Last evaluated: 2022-06-21. Review status: criteria provided, single submitter. Criteria: GeneDx Variant Classification Process June 2021. Collection method: clinical testing. Allele origin: germline. Affected: yes.
Comment: In silico analysis supports that this missense variant does not alter protein structure/function; Has not been previously published as pathogenic or benign to our knowledge